The following is an entry in ClinVar:

ClinVar aggregate classification (germline): Uncertain significance (1 of 4 stars; one submission).

Allele frequency attached by ClinVar (database versions not stated): ExAC 0.00002.
gnomAD v4.1: 71 of 1,612,306 alleles (0.0044%); highest among the groups gnomAD compares: Non-Finnish European, 0.0057%; no homozygotes.

Submission:

Labcorp Genetics (formerly Invitae), Labcorp
Classification: Uncertain significance. Last evaluated: 2025-06-04. Review status: criteria provided, single submitter. Criteria: Invitae Variant Classification Sherloc (09022015). Collection method: clinical testing. Allele origin: germline.
Comment: This sequence change replaces proline, which is neutral and non-polar, with alanine, which is neutral and non-polar, at codon 165 of the AXL protein (p.Pro165Ala). This variant is present in population databases (rs759394283, gnomAD 0.008%). This variant has not been reported in the literature in individuals affected with AXL-related conditions. ClinVar contains an entry for this variant (Variation ID: 2728204). Invitae Evidence Modeling of protein sequence and biophysical properties (such as structural, functional, and spatial information, amino acid conservation, physicochemical variation, residue mobility, and thermodynamic stability) indicates that this missense variant is expected to disrupt AXL protein function with a positive predictive value of 80%. In summary, the available evidence is currently insufficient to determine the role of this variant in disease. Therefore, it has been classified as a Variant of Uncertain Significance.

NM_021913.5(AXL):c.493C>G (p.Pro165Ala)

Gene: AXL (AXL receptor tyrosine kinase; plus strand). Cytogenetic location: 19q13.2.
Variant type: single nucleotide variant.
Coding change: c.493C>G on transcript NM_021913.5 (MANE Select); coding-DNA position 493, C replaced by G.
Protein change: p.Pro165Ala; replaces proline 165 with alanine.
Molecular consequence: missense variant.
Genome position (GRCh38, 1-based): chr19:41,221,963, C>G. VCF-style: chr19-41221963-C-G. GRCh37 (hg19) VCF-style: chr19-41727868-C-G.
Other names: c.493C>G, p.Pro165Ala (NM_001699.6); short protein forms P165A.
Identifiers: ClinVar variation 2728204 (VCV002728204.3), dbSNP rs759394283, ClinGen allele CA9457950.